The following is an entry in ClinVar:

NM_001042492.3(NF1):c.1721+542A>G

Gene: NF1 (neurofibromin 1; plus strand). Cytogenetic location: 17q11.2.
Variant type: single nucleotide variant.
Coding change: c.1721+542A>G on transcript NM_001042492.3 (MANE Select); 542 bases into the intron after coding-DNA position 1721, A replaced by G.
Molecular consequence: intron variant. On other transcripts: 3 prime UTR variant (1).
Genome position (GRCh38, 1-based): chr17:31,222,471, A>G. VCF-style: chr17-31222471-A-G. GRCh37 (hg19) VCF-style: chr17-29549489-A-G.
Other names: c.*481A>G (NM_001128147.3); c.1721+542A>G (NM_000267.4).
Identifiers: ClinVar variation 1042708 (VCV001042708.12), dbSNP rs2066942173, ClinGen allele CA658761043.

ClinVar aggregate classification (germline): Conflicting classifications of pathogenicity. Review status: criteria provided, conflicting classifications (1 of 4 stars). 5 submissions from 5 submitters: Likely pathogenic (3); Uncertain significance (2). Last evaluated 2022-05-25.

Conditions:
Neurofibromatosis, type 1 (NF1). Also called: VON RECKLINGHAUSEN DISEASE; NEUROFIBROMATOSIS, TYPE I, SOMATIC; Neurofibromatosis, type I; Peripheral type neurofibromatosis. Identifiers: Orphanet 636, MedGen C0027831, MONDO:0018975, OMIM 162200. Disease mechanism: loss of function.
Cardiovascular phenotype. Identifiers: MedGen CN230736.
Hereditary cancer-predisposing syndrome. Also called: Neoplastic Syndromes, Hereditary; Tumor predisposition; Hereditary neoplastic syndrome; Hereditary Cancer Syndrome. Identifiers: Orphanet 140162, MedGen C0027672, MeSH D009386, MONDO:0015356.

Submissions (5):

Ambry Genetics
Classification: Likely pathogenic for Cardiovascular phenotype; Hereditary cancer-predisposing syndrome. Last evaluated: 2022-05-25. Review status: criteria provided, single submitter. Criteria: Ambry Variant Classification Scheme 2023. Collection method: clinical testing. Allele origin: germline.
Comment: The c.1721+542A>G intronic variant results from an A to G substitution 542 nucleotides after coding exon 15 in the NF1 gene. The variant has been detected in multiple individuals with a clinical diagnosis or suspicion of neurofibromatosis type 1 (Sabbagh A et al. Hum Mutat, 2013 Nov;34:1510-8; Ambry internal data). This variant is considered to be rare based on population cohorts in the Genome Aggregation Database (gnomAD). In silico splice site analysis predicts that this alteration will result in the creation or strengthening of a novel splice donor site. RNA studies have demonstrated that this alteration results in insertion of a cryptic exon in intron 15 (Sabbagh A et al. Hum Mutat, 2013 Nov;34:1510-8; Ambry internal data). Based on the majority of available evidence to date, this variant is likely to be pathogenic.

Labcorp Genetics (formerly Invitae), Labcorp
Classification: Uncertain significance for Neurofibromatosis, type 1. Last evaluated: 2021-07-21. Review status: criteria provided, single submitter. Criteria: Invitae Variant Classification Sherloc (09022015). Collection method: clinical testing. Allele origin: germline.
Comment: This sequence change falls in intron 15 of the NF1 gene. It does not directly change the encoded amino acid sequence of the NF1 protein. The frequency data for this variant in the population databases is considered unreliable, as metrics indicate insufficient coverage at this position in the ExAC database. This variant has been observed in individual(s) with clinical features of neurofibromatosis type 1 (PMID: 23913538). Experimental studies have shown that this variant disrupts mRNA splicing (PMID: 23913538). In summary, the available evidence is currently insufficient to determine the role of this variant in disease. Therefore, it has been classified as a Variant of Uncertain Significance.

GeneDx
Classification: Likely pathogenic. Last evaluated: 2020-09-14. Review status: criteria provided, single submitter. Criteria: GeneDx Variant Classification Process June 2021. Collection method: clinical testing. Allele origin: germline. Affected: yes.
Comment: Intronic variant demonstrated to result in aberrant splicing which is predicted to result in a null allele in a gene for which loss-of-function is a known mechanism of disease (De Schepper 2008, Sabbagh 2013); Observed in multiple individuals with suspected or clinically diagnosed neurofibromatosis type 1 referred for genetic testing at GeneDx and in published literature (Sabbagh 2013); This variant is associated with the following publications: (PMID: 30840646, 17914445, 23913538)

Juno Genomics, Hangzhou Juno Genomics, Inc
Classification: Uncertain significance for Neurofibromatosis, type 1. Review status: criteria provided, single submitter. Criteria: ACMG Guidelines, 2015. Collection method: clinical testing. Allele origin: germline. Affected: yes.
Comment: Absent from controls (or at extremely low frequency if recessive) in Genome Aggregation Database, Exome Sequencing Project, 1000 Genomes Project, or Exome Aggregation Consortium.;The prevalence of the variant in affected individuals is significantly increased compared to the prevalence in controls.;Patient's phenotype or family history is highly specific for a disease with a single genetic etiology.;Well-established in vitro or in vivo functional studies supportive of a damaging effect on the gene or gene product.

Laboratory of Functional Genomics, Research Centre for Medical Genetics
Classification: Likely pathogenic for Neurofibromatosis, type 1. Review status: criteria provided, single submitter. Criteria: ACMG Guidelines, 2015. Collection method: clinical testing. Allele origin: unknown. Inheritance: Autosomal dominant inheritance. Affected: yes.
Comment: This variant is absent from the gnomAD population database, and the affected genomic position is conserved across species. SpliceAI predicts the creation of donor splice site. RNA analysis demonstrated that the variant leads to pseudoexon inclusion, resulting in a frameshift (NP_000258.1:p.(Ser575Phefs*8)). Based on the available evidence, the variant can be classified as likely pathogenic (PM2, PS3, PP4).

Literature cited by the submitters: PubMed 23913538 (cited by Labcorp Genetics (formerly Invitae), Labcorp).